The following is an entry in ClinVar:

ClinVar aggregate classification (germline): Uncertain significance (1 of 4 stars; one submission).

Allele frequency attached by ClinVar (database versions not stated): ExAC 0.00001; TOPMed 0.00001; gnomAD exomes 0.00007; 1000 Genomes Project 30x 0.00016; 1000 Genomes Project 0.00020.

Submission:

Labcorp Genetics (formerly Invitae), Labcorp
Classification: Uncertain significance. Last evaluated: 2025-01-07. Review status: criteria provided, single submitter. Criteria: Invitae Variant Classification Sherloc (09022015). Collection method: clinical testing. Allele origin: germline.
Comment: This sequence change replaces serine, which is neutral and polar, with arginine, which is basic and polar, at codon 59 of the ARHGEF1 protein (p.Ser59Arg). This variant is present in population databases (rs199744295, gnomAD 0.007%). This variant has not been reported in the literature in individuals affected with ARHGEF1-related conditions. ClinVar contains an entry for this variant (Variation ID: 2783174). An algorithm developed to predict the effect of missense changes on protein structure and function (PolyPhen-2) suggests that this variant is likely to be tolerated. In summary, the available evidence is currently insufficient to determine the role of this variant in disease. Therefore, it has been classified as a Variant of Uncertain Significance.

NM_004706.4(ARHGEF1):c.132C>A (p.Ser44Arg)

Gene: ARHGEF1 (Rho guanine nucleotide exchange factor 1; plus strand). Cytogenetic location: 19q13.2.
Variant type: single nucleotide variant.
Coding change: c.132C>A on transcript NM_004706.4 (MANE Select); coding-DNA position 132, C replaced by A.
Protein change: p.Ser44Arg; replaces serine 44 with arginine.
Molecular consequence: missense variant. On other transcripts: non-coding transcript variant (2).
Genome position (GRCh38, 1-based): chr19:41,888,772, C>A. VCF-style: chr19-41888772-C-A. GRCh37 (hg19) VCF-style: chr19-42392843-C-A.
Other names: c.132C>A, p.Ser44Arg (NM_001396000.1, NM_001396002.1, NM_001396003.1 and 3 more transcripts); c.177C>A, p.Ser59Arg (NM_199002.2); short protein forms S44R, S59R.
Identifiers: ClinVar variation 2783174 (VCV002783174.3), dbSNP rs199744295, ClinGen allele CA9465801.
Genomic context (GRCh38, chr19:41,888,772, plus strand): 5'-CTCTTCTCCCCATTGTACTCACCCCTTCCTGCACCCCCAGAACTCAGAAGAGCAAAACAG[C>A]CAGTTCCAGAGCCTGGAGCAGGTGAAGCGGCGCCCAGCCCACCTCATGGCCCTCCTGCAG-3'
Protein context (NP_004697.2, residues 34-54): ELETNSEEQN[Ser44Arg]QFQSLEQVKR